The following is an entry in ClinVar:

NM_005591.4(MRE11):c.*2053T>C

Gene: MRE11 (MRE11 homolog, double strand break repair nuclease; minus strand). Cytogenetic location: 11q21.
Variant type: single nucleotide variant.
Coding change: c.*2053T>C on transcript NM_005591.4 (MANE Select); 2053 bases downstream of the stop codon, T replaced by C.
Molecular consequence: 3 prime UTR variant.
Genome position (GRCh38, 1-based): chr11:94,418,072, A>G on the plus strand (T>C on the coding strand, the complement: MRE11 is on the minus strand). VCF-style: chr11-94418072-A-G. GRCh37 (hg19) VCF-style: chr11-94151238-A-G.
Other names: c.*2053T>C (NM_001330347.2, NM_005590.4).
Identifiers: ClinVar variation 881041 (VCV000881041.4), dbSNP rs13447754, ClinGen allele CA226536939.
Genomic context (GRCh38, chr11:94,418,072, plus strand): 5'-CTCTCCCAAAGCCTCCAAGAGCAAATGCAGCTGCTTTCAAATCATCTGAAAGACTTCTAC[A>G]TTCCTATACCAACAGGTCTGAAAATTGTTAGAAACAAAAAACAAAACTCCCCTAAAACCA-3'

ClinVar aggregate classification (germline): Benign (1 of 4 stars; one submission).

Conditions:
Ataxia-telangiectasia-like disorder 1 (ATLD1). Identifiers: Orphanet 251347, MedGen C4012790, MONDO:0024557, OMIM 604391.

Allele frequency attached by ClinVar (database versions not stated): gnomAD exomes 0.00116; 1000 Genomes Project 0.00459; gnomAD 0.00557 and 0.00600; 1000 Genomes Project 30x 0.00562; TOPMed 0.00612.
gnomAD v4.1: 951 of 233,128 alleles (0.41%); highest among the groups gnomAD compares: African/African-American, 1.9%; 15 homozygotes.

Submission:

Illumina Laboratory Services, Illumina
Classification: Benign for Ataxia-telangiectasia-like disorder 1. Last evaluated: 2017-09-27. Review status: criteria provided, single submitter. Criteria: ICSL Variant Classification Criteria 13 December 2019. Collection method: clinical testing. Allele origin: germline.
Comment: This variant was observed as part of a predisposition screen in an ostensibly healthy population. A literature search was performed for the gene, cDNA change, and amino acid change (where applicable). No publications were found based on this search. Allele frequency data from public databases was too high to be consistent with this variant causing disease. Therefore, this variant is classified as benign.